The following is an entry in ClinVar:

ClinVar aggregate classification (germline): Uncertain significance (1 of 4 stars; one submission).

Conditions:
Arrhythmogenic right ventricular dysplasia 9 (ARVD9). Also called: Arrhythmogenic Right Ventricular Dysplasia/Cardiomyopathy 9; ARRHYTHMOGENIC RIGHT VENTRICULAR DYSPLASIA, FAMILIAL, 9. Identifiers: MedGen C1836906, MONDO:0012180, OMIM 609040.

Allele frequency attached by ClinVar (database versions not stated): TOPMed 0.00001; ESP Exome Variant Server 0.00008.

Submission:

Labcorp Genetics (formerly Invitae), Labcorp
Classification: Uncertain significance for Arrhythmogenic right ventricular dysplasia 9. Last evaluated: 2021-05-07. Review status: criteria provided, single submitter. Criteria: Invitae Variant Classification Sherloc (09022015). Collection method: clinical testing. Allele origin: germline.
Comment: In summary, the available evidence is currently insufficient to determine the role of this variant in disease. Therefore, it has been classified as a Variant of Uncertain Significance. Algorithms developed to predict the effect of missense changes on protein structure and function output the following: SIFT: "Tolerated"; PolyPhen-2: "Benign"; Align-GVGD: "Class C0". The alanine amino acid residue is found in multiple mammalian species, suggesting that this missense change does not adversely affect protein function. These predictions have not been confirmed by published functional studies and their clinical significance is uncertain. This variant has not been reported in the literature in individuals with PKP2-related conditions. This variant is present in population databases (rs375035084, ExAC 0.02%). This sequence change replaces proline with alanine at codon 105 of the PKP2 protein (p.Pro105Ala). The proline residue is weakly conserved and there is a small physicochemical difference between proline and alanine.

NM_001005242.3(PKP2):c.313C>G (p.Pro105Ala)

Gene: PKP2 (plakophilin 2; minus strand). Cytogenetic location: 12p11.21.
Variant type: single nucleotide variant.
Coding change: c.313C>G on transcript NM_001005242.3 (MANE Select); coding-DNA position 313, C replaced by G.
Protein change: p.Pro105Ala; replaces proline 105 with alanine.
Molecular consequence: missense variant.
Genome position (GRCh38, 1-based): chr12:32,878,943, G>C on the plus strand (C>G on the coding strand, the complement: PKP2 is on the minus strand). VCF-style: chr12-32878943-G-C. GRCh37 (hg19) VCF-style: chr12-33031877-G-C.
Other names: c.313C>G, p.Pro105Ala (NM_004572.4); short protein forms P105A.
Identifiers: ClinVar variation 1469417 (VCV001469417.8), dbSNP rs375035084, ClinGen allele CA036591.